The following is an entry in ClinVar:

NM_001440.4(EXTL3):c.961C>T (p.His321Tyr)

Gene: EXTL3 (exostosin like glycosyltransferase 3; plus strand). Cytogenetic location: 8p21.1.
Variant type: single nucleotide variant.
Coding change: c.961C>T on transcript NM_001440.4 (MANE Select); coding-DNA position 961, C replaced by T.
Protein change: p.His321Tyr; replaces histidine 321 with tyrosine.
Molecular consequence: missense variant.
Genome position (GRCh38, 1-based): chr8:28,717,020, C>T. VCF-style: chr8-28717020-C-T. GRCh37 (hg19) VCF-style: chr8-28574537-C-T.
Other names: short protein forms H321Y.
Identifiers: ClinVar variation 3671230 (VCV003671230.2).

ClinVar aggregate classification (germline): Uncertain significance (1 of 4 stars; one submission).

gnomAD v4.1: 1 of 1,614,248 alleles (0.000062%); highest among the groups gnomAD compares: Non-Finnish European, 0.000085%; no homozygotes.

Submission:

Labcorp Genetics (formerly Invitae), Labcorp
Classification: Uncertain significance. Last evaluated: 2024-10-24. Review status: criteria provided, single submitter. Criteria: Invitae Variant Classification Sherloc (09022015). Collection method: clinical testing. Allele origin: germline.
Comment: This sequence change replaces histidine, which is basic and polar, with tyrosine, which is neutral and polar, at codon 321 of the EXTL3 protein (p.His321Tyr). This variant is not present in population databases (gnomAD no frequency). This variant has not been reported in the literature in individuals affected with EXTL3-related conditions. Invitae Evidence Modeling of protein sequence and biophysical properties (such as structural, functional, and spatial information, amino acid conservation, physicochemical variation, residue mobility, and thermodynamic stability) indicates that this missense variant is not expected to disrupt EXTL3 protein function with a negative predictive value of 80%. In summary, the available evidence is currently insufficient to determine the role of this variant in disease. Therefore, it has been classified as a Variant of Uncertain Significance.